The following is an entry in ClinVar:

ClinVar aggregate classification (germline): Uncertain significance (1 of 4 stars; one submission).

Submission:

GeneDx
Classification: Uncertain significance. Last evaluated: 2025-07-20. Review status: criteria provided, single submitter. Criteria: GeneDx Variant Classification Process June 2021. Collection method: clinical testing. Allele origin: germline.
Comment: Not observed at significant frequency in large population cohorts (gnomAD); In silico analysis supports that this missense variant has a deleterious effect on protein structure/function; Has not been previously published as pathogenic or benign to our knowledge

NM_001378452.1(ITPR1):c.1827C>A (p.His609Gln)

Gene: ITPR1 (inositol 1,4,5-trisphosphate receptor type 1; plus strand). Cytogenetic location: 3p26.1.
Variant type: single nucleotide variant.
Coding change: c.1827C>A on transcript NM_001378452.1 (MANE Select); coding-DNA position 1827, C replaced by A.
Protein change: p.His609Gln; replaces histidine 609 with glutamine.
Molecular consequence: missense variant.
Genome position (GRCh38, 1-based): chr3:4,667,490, C>A. VCF-style: chr3-4667490-C-A. GRCh37 (hg19) VCF-style: chr3-4709174-C-A.
Other names: c.1827C>A, p.His609Gln (NM_001099952.4); c.1782C>A, p.His594Gln (NM_001168272.2, NM_002222.7); short protein forms H594Q, H609Q.
Identifiers: ClinVar variation 3907781 (VCV003907781.2).